The following is an entry in ClinVar:

NM_022124.6(CDH23):c.1550T>C (p.Leu517Pro)

Gene: CDH23 (cadherin related 23; plus strand). Cytogenetic location: 10q22.1.
Variant type: single nucleotide variant.
Coding change: c.1550T>C on transcript NM_022124.6 (MANE Select); coding-DNA position 1550, T replaced by C.
Protein change: p.Leu517Pro; replaces leucine 517 with proline.
Molecular consequence: missense variant.
Genome position (GRCh38, 1-based): chr10:71,677,491, T>C. VCF-style: chr10-71677491-T-C. GRCh37 (hg19) VCF-style: chr10-73437248-T-C.
Other names: c.1550T>C, p.Leu517Pro (NM_001171930.2, NM_001171931.2); short protein forms L517P.
Identifiers: ClinVar variation 1714222 (VCV001714222.3), dbSNP rs1554854090, ClinGen allele CA377130106.

ClinVar aggregate classification (germline): Uncertain significance (1 of 4 stars; one submission).

Submission:

Labcorp Genetics (formerly Invitae), Labcorp
Classification: Uncertain significance. Last evaluated: 2022-08-08. Review status: criteria provided, single submitter. Criteria: Invitae Variant Classification Sherloc (09022015). Collection method: clinical testing. Allele origin: germline.
Comment: This sequence change replaces leucine, which is neutral and non-polar, with proline, which is neutral and non-polar, at codon 517 of the CDH23 protein (p.Leu517Pro). This variant is not present in population databases (gnomAD no frequency). This variant has not been reported in the literature in individuals affected with CDH23-related conditions. Algorithms developed to predict the effect of missense changes on protein structure and function are either unavailable or do not agree on the potential impact of this missense change (SIFT: "Deleterious"; PolyPhen-2: "Not Available"; Align-GVGD: "Class C0"). In summary, the available evidence is currently insufficient to determine the role of this variant in disease. Therefore, it has been classified as a Variant of Uncertain Significance.